The following is an entry in ClinVar:

ClinVar aggregate classification (germline): Uncertain significance (1 of 4 stars; one submission).

Conditions:
Duchenne muscular dystrophy (DMD). Also called: MUSCULAR DYSTROPHY, PSEUDOHYPERTROPHIC PROGRESSIVE, DUCHENNE TYPE; Duchenne Muscular Dystrophy (DMD). Identifiers: Orphanet 98896, MedGen C0013264, MONDO:0010679, OMIM 310200.

gnomAD v4.1: 6 of 1,201,855 alleles (0.0005%); highest among the groups gnomAD compares: East Asian, 0.018%; no homozygotes.

Submission:

Labcorp Genetics (formerly Invitae), Labcorp
Classification: Uncertain significance for Duchenne muscular dystrophy. Last evaluated: 2024-02-01. Review status: criteria provided, single submitter. Criteria: Invitae Variant Classification Sherloc (09022015). Collection method: clinical testing. Allele origin: germline.
Comment: This sequence change replaces glycine, which is neutral and non-polar, with cysteine, which is neutral and slightly polar, at codon 2743 of the DMD protein (p.Gly2743Cys). This variant is not present in population databases (gnomAD no frequency). This variant has not been reported in the literature in individuals affected with DMD-related conditions. Advanced modeling of protein sequence and biophysical properties (such as structural, functional, and spatial information, amino acid conservation, physicochemical variation, residue mobility, and thermodynamic stability) performed at Invitae indicates that this missense variant is not expected to disrupt DMD protein function with a negative predictive value of 95%. In summary, the available evidence is currently insufficient to determine the role of this variant in disease. Therefore, it has been classified as a Variant of Uncertain Significance.

NM_004006.3(DMD):c.8227G>T (p.Gly2743Cys)

Gene: DMD (dystrophin; minus strand). Cytogenetic location: Xp21.1.
Variant type: single nucleotide variant.
Coding change: c.8227G>T on transcript NM_004006.3 (MANE Select); coding-DNA position 8227, G replaced by T.
Protein change: p.Gly2743Cys; replaces glycine 2743 with cysteine.
Molecular consequence: missense variant.
Genome position (GRCh38, 1-based): chrX:31,507,444, C>A on the plus strand (G>T on the coding strand, the complement: DMD is on the minus strand). VCF-style: chrX-31507444-C-A. GRCh37 (hg19) VCF-style: chrX-31525561-C-A.
Other names: c.8203G>T, p.Gly2735Cys (NM_000109.4); c.8215G>T, p.Gly2739Cys (NM_004009.3); c.7858G>T, p.Gly2620Cys (NM_004010.3); c.4204G>T, p.Gly1402Cys (NM_004011.4); c.4195G>T, p.Gly1399Cys (NM_004012.4); c.847G>T, p.Gly283Cys (NM_004013.3, NM_004020.4, NM_004021.3 and 2 more transcripts); c.40G>T, p.Gly14Cys (NM_004014.3); short protein forms G1402C, G14C, G2739C, G283C, G2735C, G2743C, G1399C, G2620C.
Identifiers: ClinVar variation 3704855 (VCV003704855.2).